The following is an entry in ClinVar:

ClinVar aggregate classification (germline): Pathogenic. Review status: criteria provided, multiple submitters, no conflicts (2 of 4 stars). 2 submissions from 2 submitters: Pathogenic (2). Last evaluated 2025-06-11.

Conditions:
Hereditary cancer-predisposing syndrome. Also called: Hereditary Cancer Syndrome; Tumor predisposition; Hereditary neoplastic syndrome; Neoplastic Syndromes, Hereditary. Identifiers: Orphanet 140162, MedGen C0027672, MeSH D009386, MONDO:0015356.

Submissions (2):

Ambry Genetics
Classification: Pathogenic for Hereditary cancer-predisposing syndrome. Last evaluated: 2025-06-11. Review status: criteria provided, single submitter. Criteria: Ambry Variant Classification Scheme 2023. Collection method: clinical testing. Allele origin: germline.
Comment: The p.Q142* variant (also known as c.424C>T), located in coding exon 4 of the FH gene, results from a C to T substitution at nucleotide position 424. This changes the amino acid from a glutamine to a stop codon within coding exon 4. This variant is considered to be rare based on population cohorts in the Genome Aggregation Database (gnomAD). This alteration is expected to result in loss of function by premature protein truncation or nonsense-mediated mRNA decay. As such, this alteration is interpreted as a disease-causing mutation.

Labcorp Genetics (formerly Invitae), Labcorp
Classification: Pathogenic. Last evaluated: 2018-10-07. Review status: criteria provided, single submitter. Criteria: Invitae Variant Classification Sherloc (09022015). Collection method: clinical testing. Allele origin: germline.
Comment: This sequence change creates a premature translational stop signal (p.Gln142*) in the FH gene. It is expected to result in an absent or disrupted protein product. This variant is not present in population databases (ExAC no frequency). This variant has not been reported in the literature in individuals with FH-related disease. Loss-of-function variants in FH are known to be pathogenic (PMID: 11865300, 21398687). For these reasons, this variant has been classified as Pathogenic.

Literature cited by the submitters: PubMed 11865300 (cited by Labcorp Genetics (formerly Invitae), Labcorp); PubMed 21398687 (cited by Labcorp Genetics (formerly Invitae), Labcorp).

NM_000143.4(FH):c.424C>T (p.Gln142Ter)

Gene: FH (fumarate hydratase; minus strand). Cytogenetic location: 1q43.
Variant type: single nucleotide variant.
Coding change: c.424C>T on transcript NM_000143.4 (MANE Select); coding-DNA position 424, C replaced by T.
Protein change: p.Gln142Ter; replaces glutamine 142 with a stop codon.
Molecular consequence: nonsense.
Genome position (GRCh38, 1-based): chr1:241,512,098, G>A on the plus strand (C>T on the coding strand, the complement: FH is on the minus strand). VCF-style: chr1-241512098-G-A. GRCh37 (hg19) VCF-style: chr1-241675398-G-A.
Other names: short protein forms Q142*.
Identifiers: ClinVar variation 644761 (VCV000644761.8), dbSNP rs1355199594, ClinGen allele CA345440133.
Genomic context (GRCh38, chr1:241,512,098, plus strand): 5'-TTGCTCTATTGCTAATGACTTCATTTACATTCATATTTGTCTGAGTTCCTGATCCAGTCT[G>A]CCATACCACGAGAGGAAAATGATCATTTAATTTACCTTCAGCTACCTGCAGAAAAAATGT-3'